The following is an entry in ClinVar:

Single allele

Genes: ALDOA (aldolase, fructose-bisphosphate A; plus strand), ASPHD1 (aspartate beta-hydroxylase domain containing 1; plus strand), C16orf54 (chromosome 16 open reading frame 54; minus strand), CDIPT (CDP-diacylglycerol--inositol 3-phosphatidyltransferase; minus strand), DOC2A (double C2 domain alpha; minus strand) and 21 more. Cytogenetic location: 16p11.2.
Variant type: Duplication.
Identifiers: ClinVar variation 5043560 (VCV005043560.1).

ClinVar aggregate classification (germline): Pathogenic (1 of 4 stars; one submission).

Conditions:
Chromosome 16p11.2 duplication syndrome. Identifiers: Orphanet 370079, MedGen C3553407, MONDO:0013847, OMIM 614671.

Submission:

Department of Prenatal Diagnosis, Henan Provincial People’s Hospital
Classification: Pathogenic for Chromosome 16p11.2 duplication syndrome. Last evaluated: 2026-11-25. Review status: criteria provided, single submitter. Criteria: ACMG/ClinGen CNV Guidelines, 2019. Collection method: research. Allele origin: de novo. Affected: no. Observed: 1 variant allele.
Comment: Based on the "ACMG/ClinGen CNV Guidelines" (2019, PMID: 31690835), this dupliaction encompasses the triplosensitive genomic region-16p11.2 recurrent region (proximal, BP4-BP5) (includes TBX6)，which satisfies the criteria for Evidence Type 2A and is assigned a score of 1. As a result, the observed copy number duplication in this case achieves a cumulative score of ≥0.99, classifying it as a pathogenic copy number variant.